The following is an entry in ClinVar:

NM_201550.4(LRRC10):c.584T>C (p.Ile195Thr)

Gene: LRRC10 (leucine rich repeat containing 10; minus strand). Cytogenetic location: 12q15.
Variant type: single nucleotide variant.
Coding change: c.584T>C on transcript NM_201550.4 (MANE Select); coding-DNA position 584, T replaced by C.
Protein change: p.Ile195Thr; replaces isoleucine 195 with threonine.
Molecular consequence: missense variant.
Genome position (GRCh38, 1-based): chr12:69,610,255, A>G on the plus strand (T>C on the coding strand, the complement: LRRC10 is on the minus strand). VCF-style: chr12-69610255-A-G. GRCh37 (hg19) VCF-style: chr12-70004035-A-G.
Other names: short protein forms I195T.
Identifiers: ClinVar variation 478141 (VCV000478141.42), dbSNP rs151080979, ClinGen allele CA6681039.

ClinVar aggregate classification (germline): Benign/Likely benign. Review status: criteria provided, multiple submitters, no conflicts (2 of 4 stars). 5 submissions from 5 submitters: Benign (3); Likely benign (2). Last evaluated 2026-01-29.

Allele frequency attached by ClinVar (database versions not stated): 1000 Genomes Project 30x 0.00187; 1000 Genomes Project 0.00200; TOPMed 0.00275; gnomAD 0.00394 and 0.00397; ESP Exome Variant Server 0.00438; gnomAD exomes 0.00491 and 0.00568; ExAC 0.00559.

Submissions (5):

Labcorp Genetics (formerly Invitae), Labcorp
Classification: Benign. Last evaluated: 2026-01-29. Review status: criteria provided, single submitter. Criteria: Invitae Variant Classification Sherloc (09022015). Collection method: clinical testing. Allele origin: germline.

Blueprint Genetics
Classification: Likely benign. Last evaluated: 2024-11-26. Review status: criteria provided, single submitter. Criteria: ACMG Guidelines, 2015. Collection method: clinical testing. Allele origin: germline.

CeGaT Center for Human Genetics Tuebingen
Classification: Likely benign. Last evaluated: 2023-08-01. Review status: criteria provided, single submitter. Criteria: CeGaT Center For Human Genetics Tuebingen Variant Classification Criteria Version 2. Collection method: clinical testing. Allele origin: germline. Affected: yes. Observed: 1 variant allele.
Comment: LRRC10: BS2

GeneDx
Classification: Benign. Last evaluated: 2019-11-14. Review status: criteria provided, single submitter. Criteria: GeneDx Variant Classification Process June 2021. Collection method: clinical testing. Allele origin: germline. Affected: yes.
Comment: This variant is associated with the following publications: (PMID: 29431102)

Breakthrough Genomics
Classification: Benign. Review status: criteria provided, single submitter. Criteria: ACMG Guidelines, 2015. Collection method: not provided. Allele origin: germline. Inheritance: Unknown mechanism. Affected: yes.